The following is an entry in ClinVar:

NM_000180.4(GUCY2D):c.2943G>A (p.Ser981=)

Gene: GUCY2D (guanylate cyclase 2D, retinal; plus strand). Cytogenetic location: 17p13.1.
Variant type: single nucleotide variant.
Coding change: c.2943G>A on transcript NM_000180.4 (MANE Select); coding-DNA position 2943, G replaced by A.
Protein change: p.Ser981=; no amino-acid change (serine 981 retained).
Molecular consequence: synonymous variant.
Genome position (GRCh38, 1-based): chr17:8,015,501, G>A. VCF-style: chr17-8015501-G-A. GRCh37 (hg19) VCF-style: chr17-7918819-G-A.
Other names: c.2943G>A (NM_000180.3).
Identifiers: ClinVar variation 1437087 (VCV001437087.6), dbSNP rs749863195, ClinGen allele CA8366259.

ClinVar aggregate classification (germline): Conflicting classifications of pathogenicity. Review status: criteria provided, conflicting classifications (1 of 4 stars). 2 submissions from 2 submitters: Uncertain significance (1); Likely benign (1). Last evaluated 2026-03-06.

Conditions:
Inborn genetic diseases. Identifiers: MedGen C0950123, MeSH D030342.
Leber congenital amaurosis 1 (LCA1). Also called: AMAUROSIS CONGENITA OF LEBER I; RETINAL BLINDNESS, CONGENITAL; Congenital absence of the rods and cones; Leber's congenital tapetoretinal degeneration; Leber's congenital tapetoretinal dysplasia. Identifiers: Orphanet 65, MedGen C2931258, MONDO:0008764, OMIM 204000.
Cone-rod dystrophy 6 (CORD6). Also called: Cone dystrophy progressive; RETINAL CONE DYSTROPHY 2. Identifiers: Orphanet 1872, MedGen C1866293, MONDO:0011143, OMIM 601777.

Allele frequency attached by ClinVar (database versions not stated): gnomAD exomes 0.00002; TOPMed 0.00002; ExAC 0.00004.
gnomAD v4.1: 7 of 1,609,920 alleles (0.00043%); highest among the groups gnomAD compares: Admixed American, 0.012%; no homozygotes.

Submissions (2):

Ambry Genetics
Classification: Likely benign for Inborn genetic diseases. Last evaluated: 2026-03-06. Review status: criteria provided, single submitter. Criteria: Ambry Variant Classification Scheme 2023. Collection method: clinical testing. Allele origin: germline.

Labcorp Genetics (formerly Invitae), Labcorp
Classification: Uncertain significance for Leber congenital amaurosis 1; Cone-rod dystrophy 6. Last evaluated: 2024-09-16. Review status: criteria provided, single submitter. Criteria: Invitae Variant Classification Sherloc (09022015). Collection method: clinical testing. Allele origin: germline.
Comment: This sequence change affects codon 981 of the GUCY2D mRNA. It is a 'silent' change, meaning that it does not change the encoded amino acid sequence of the GUCY2D protein. It affects a nucleotide within the consensus splice site. This variant is present in population databases (rs749863195, gnomAD 0.02%). This variant has been observed in individual(s) with clinical features of inherited retinal dystrophy (internal data). ClinVar contains an entry for this variant (Variation ID: 1437087). Algorithms developed to predict the effect of sequence changes on RNA splicing suggest that this variant is not likely to affect RNA splicing. In summary, the available evidence is currently insufficient to determine the role of this variant in disease. Therefore, it has been classified as a Variant of Uncertain Significance.